The following is an entry in ClinVar:

NM_000535.7(PMS2):c.2455G>T (p.Gly819Trp)

Gene: PMS2 (PMS1 homolog 2, mismatch repair system component; minus strand). Cytogenetic location: 7p22.1.
Variant type: single nucleotide variant.
Coding change: c.2455G>T on transcript NM_000535.7 (MANE Select); coding-DNA position 2455, G replaced by T.
Protein change: p.Gly819Trp; replaces glycine 819 with tryptophan.
Molecular consequence: missense variant. On other transcripts: non-coding transcript variant (1).
Genome position (GRCh38, 1-based): chr7:5,973,533, C>A on the plus strand (G>T on the coding strand, the complement: PMS2 is on the minus strand). VCF-style: chr7-5973533-C-A. GRCh37 (hg19) VCF-style: chr7-6013164-C-A.
Other names: c.2050G>T, p.Gly684Trp (NM_001322003.2, NM_001322004.2, NM_001322005.2 and 11 more transcripts); c.2299G>T, p.Gly767Trp (NM_001322006.2); c.2137G>T, p.Gly713Trp (NM_001322007.2, NM_001322008.2, NM_001406883.1); c.2083G>T, p.Gly695Trp (NM_001322009.2, NM_001406887.1, NM_001406888.1); c.1894G>T, p.Gly632Trp (NM_001322010.2, NM_001406906.1, NM_001406907.1); c.1522G>T, p.Gly508Trp (NM_001322011.2, NM_001322012.2); c.1882G>T, p.Gly628Trp (NM_001322013.2, NM_001406908.1, NM_001406909.1); c.2488G>T, p.Gly830Trp (NM_001322014.2); and 20 more; short protein forms G508W, G648W, G661W, G695W, G716W, G724W, G753W, G763W.
Identifiers: ClinVar variation 3890947 (VCV003890947.1).

ClinVar aggregate classification (germline): Uncertain significance (1 of 4 stars; one submission).

Conditions:
Hereditary cancer-predisposing syndrome. Also called: Tumor predisposition; Neoplastic Syndromes, Hereditary; Hereditary Cancer Syndrome; Hereditary neoplastic syndrome. Identifiers: Orphanet 140162, MedGen C0027672, MeSH D009386, MONDO:0015356.

Submission:

Ambry Genetics
Classification: Uncertain significance for Hereditary cancer-predisposing syndrome. Last evaluated: 2025-02-23. Review status: criteria provided, single submitter. Criteria: Ambry Variant Classification Scheme 2023. Collection method: clinical testing. Allele origin: germline.
Comment: The p.G819W variant (also known as c.2455G>T), located in coding exon 15 of the PMS2 gene, results from a G to T substitution at nucleotide position 2455. The glycine at codon 819 is replaced by tryptophan, an amino acid with highly dissimilar properties. This amino acid position is conserved. In addition, this alteration is predicted to be deleterious by in silico analysis. Based on the available evidence, the clinical significance of this variant remains unclear.